The following is an entry in ClinVar:

NM_000719.7(CACNA1C):c.6041T>C (p.Val2014Ala)

Genes: CACNA1C (calcium voltage-gated channel subunit alpha1 C; plus strand), CACNA1C-AS1 (CACNA1C antisense RNA 1; minus strand). Cytogenetic location: 12p13.33.
Variant type: single nucleotide variant.
Coding change: c.6041T>C on transcript NM_000719.7 (MANE Select); coding-DNA position 6041, T replaced by C.
Protein change: p.Val2014Ala; replaces valine 2014 with alanine.
Molecular consequence: missense variant.
Genome position (GRCh38, 1-based): chr12:2,688,703, T>C. VCF-style: chr12-2688703-T-C. GRCh37 (hg19) VCF-style: chr12-2797869-T-C.
Other names: c.6185T>C, p.Val2062Ala (NM_001129827.2); c.6164T>C, p.Val2055Ala (NM_001129829.2); c.6146T>C, p.Val2049Ala (NM_001129830.3, NM_001167624.3); c.6125T>C, p.Val2042Ala (NM_001129831.2); c.6101T>C, p.Val2034Ala (NM_001129832.2); c.6098T>C, p.Val2033Ala (NM_001129833.2, NM_001129834.2, NM_001129835.2); c.6092T>C, p.Val2031Ala (NM_001129836.2); c.6065T>C, p.Val2022Ala (NM_001129837.2, NM_001129838.2); and 6 more; short protein forms V2011A, V2033A, V2042A, V2049A, V2003A, V2014A, V2055A, V2022A.
Identifiers: ClinVar variation 2166623 (VCV002166623.5), dbSNP rs2534875142, ClinGen allele CA383385237.

ClinVar aggregate classification (germline): Uncertain significance. Review status: criteria provided, multiple submitters, no conflicts (2 of 4 stars). 2 submissions from 2 submitters: Uncertain significance (2). Last evaluated 2023-11-03.

Conditions:
Cardiovascular phenotype. Identifiers: MedGen CN230736.
Long QT syndrome (LQTS). Identifiers: MedGen C0023976, MeSH D008133, MONDO:0002442. Disease mechanism: loss of function. Inheritance: Various modes of inheritance.

Allele frequency attached by ClinVar (database versions not stated): gnomAD exomes below 0.00001.
gnomAD v4.1: 1 of 1,611,134 alleles (0.000062%); highest among the groups gnomAD compares: Admixed American, 0.0017%; no homozygotes.

Submissions (2):

Labcorp Genetics (formerly Invitae), Labcorp
Classification: Uncertain significance for Long QT syndrome. Last evaluated: 2023-11-03. Review status: criteria provided, single submitter. Criteria: Invitae Variant Classification Sherloc (09022015). Collection method: clinical testing. Allele origin: germline.
Comment: This sequence change replaces valine, which is neutral and non-polar, with alanine, which is neutral and non-polar, at codon 2014 of the CACNA1C protein (p.Val2014Ala). This variant is not present in population databases (gnomAD no frequency). This variant has not been reported in the literature in individuals affected with CACNA1C-related conditions. ClinVar contains an entry for this variant (Variation ID: 2166623). Advanced modeling of protein sequence and biophysical properties (such as structural, functional, and spatial information, amino acid conservation, physicochemical variation, residue mobility, and thermodynamic stability) performed at Invitae indicates that this missense variant is not expected to disrupt CACNA1C protein function with a negative predictive value of 95%. In summary, the available evidence is currently insufficient to determine the role of this variant in disease. Therefore, it has been classified as a Variant of Uncertain Significance.

Ambry Genetics
Classification: Uncertain significance for Cardiovascular phenotype. Last evaluated: 2021-12-21. Review status: criteria provided, single submitter. Criteria: Ambry Variant Classification Scheme 2023. Collection method: clinical testing. Allele origin: germline.